The following is an entry in ClinVar:

ClinVar aggregate classification (germline): Uncertain significance (1 of 4 stars; one submission).

Conditions:
RASA2-related disorder. Also called: RASA2-related condition.

Submission:

PreventionGenetics, part of Exact Sciences
Classification: Uncertain significance for RASA2-related condition. Last evaluated: 2026-07-07. Review status: criteria provided, single submitter. Criteria: ACMG Guidelines, 2015. Collection method: clinical testing. Allele origin: germline.
Comment: The RASA2 c.279T>A variant is predicted to result in the amino acid substitution p.Phe93Leu. To our knowledge, this variant has not been reported in the literature or in a large population database (gnomAD), indicating this variant is rare. At this time, the clinical significance of this variant is uncertain due to the absence of conclusive functional and genetic evidence.

NM_006506.5(RASA2):c.279T>A (p.Phe93Leu)

Gene: RASA2 (RAS p21 protein activator 2; plus strand). Cytogenetic location: 3q23.
Variant type: single nucleotide variant.
Coding change: c.279T>A on transcript NM_006506.5 (MANE Select); coding-DNA position 279, T replaced by A.
Protein change: p.Phe93Leu; replaces phenylalanine 93 with leucine.
Molecular consequence: missense variant.
Genome position (GRCh38, 1-based): chr3:141,516,355, T>A. VCF-style: chr3-141516355-T-A. GRCh37 (hg19) VCF-style: chr3-141235197-T-A.
Other names: c.279T>A, p.Phe93Leu (NM_001303245.3, NM_001303246.3); short protein forms F93L.
Identifiers: ClinVar variation 4992908 (VCV004992908.1).
Genomic context (GRCh38, chr3:141,516,355, plus strand): 5'-ATTTGAAGTAATGAGCTTTCCTTTTCTTTCTAGCCCATTTTTCAGTGAAGAATTTTACTT[T>A]GAGATTCCAAGAACTTTCCAGTATTTGTCTTTCTATGTTTATGATAAGAATGTTTTACAA-3'
Protein context (NP_006497.2, residues 83-103): LSPFFSEEFY[Phe93Leu]EIPRTFQYLS